The following is an entry in ClinVar:

ClinVar aggregate classification (germline): Uncertain significance. Review status: criteria provided, multiple submitters, no conflicts (2 of 4 stars). 2 submissions from 2 submitters: Uncertain significance (2). Last evaluated 2024-10-15.

Allele frequency attached by ClinVar (database versions not stated): gnomAD exomes below 0.00001; TOPMed below 0.00001; gnomAD 0.00001.

Submissions (2):

Labcorp Genetics (formerly Invitae), Labcorp
Classification: Uncertain significance. Last evaluated: 2024-10-15. Review status: criteria provided, single submitter. Criteria: Invitae Variant Classification Sherloc (09022015). Collection method: clinical testing. Allele origin: germline.
Comment: This sequence change replaces alanine, which is neutral and non-polar, with threonine, which is neutral and polar, at codon 405 of the TULP1 protein (p.Ala405Thr). This variant is present in population databases (no rsID available, gnomAD 0.0009%). This missense change has been observed in individual(s) with retinitis pigmentosa (internal data). ClinVar contains an entry for this variant (Variation ID: 2420191). Invitae Evidence Modeling of protein sequence and biophysical properties (such as structural, functional, and spatial information, amino acid conservation, physicochemical variation, residue mobility, and thermodynamic stability) has been performed for this missense variant. However, the output from this modeling did not meet the statistical confidence thresholds required to predict the impact of this variant on TULP1 protein function. This variant disrupts the p.Ala405 amino acid residue in TULP1. Other variant(s) that disrupt this residue have been observed in individuals with TULP1-related conditions (PMID: 26667666; internal data), which suggests that this may be a clinically significant amino acid residue. In summary, the available evidence is currently insufficient to determine the role of this variant in disease. Therefore, it has been classified as a Variant of Uncertain Significance.

Blueprint Genetics
Classification: Uncertain significance. Last evaluated: 2017-12-13. Review status: criteria provided, single submitter. Criteria: ACMG Guidelines, 2015. Collection method: clinical testing. Allele origin: germline.

Literature cited by the submitters: PubMed 26667666 (cited by Labcorp Genetics (formerly Invitae), Labcorp).

NM_003322.6(TULP1):c.1213G>A (p.Ala405Thr)

Gene: TULP1 (TUB like protein 1; minus strand). Cytogenetic location: 6p21.31.
Variant type: single nucleotide variant.
Coding change: c.1213G>A on transcript NM_003322.6 (MANE Select); coding-DNA position 1213, G replaced by A.
Protein change: p.Ala405Thr; replaces alanine 405 with threonine.
Molecular consequence: missense variant.
Genome position (GRCh38, 1-based): chr6:35,503,748, C>T on the plus strand (G>A on the coding strand, the complement: TULP1 is on the minus strand). VCF-style: chr6-35503748-C-T. GRCh37 (hg19) VCF-style: chr6-35471525-C-T.
Other names: c.1054G>A, p.Ala352Thr (NM_001289395.2); short protein forms A352T, A405T.
Identifiers: ClinVar variation 2420191 (VCV002420191.6), dbSNP rs1259437108, ClinGen allele CA363779266.